The following is an entry in ClinVar:

ClinVar aggregate classification (germline): Uncertain significance (1 of 4 stars; one submission).

Allele frequency attached by ClinVar (database versions not stated): gnomAD exomes below 0.00001.
gnomAD v4.1: 1 of 1,614,080 alleles (0.000062%); highest among the groups gnomAD compares: Non-Finnish European, 0.000085%; no homozygotes.

Submission:

GeneDx
Classification: Uncertain significance. Last evaluated: 2019-10-21. Review status: criteria provided, single submitter. Criteria: GeneDx Variant Classification Process June 2021. Collection method: clinical testing. Allele origin: germline. Affected: yes.
Comment: Has not been previously published as pathogenic or benign to our knowledge; Not observed in large population cohorts (Lek et al., 2016); Canonical splice site variant in a gene for which loss-of-function is not a known mechanism of disease

NM_007078.3(LDB3):c.896+2T>C

Gene: LDB3 (LIM domain binding 3; plus strand). Cytogenetic location: 10q23.2.
Variant type: single nucleotide variant.
Coding change: c.896+2T>C on transcript NM_007078.3 (MANE Select); the canonical splice donor site of the intron after coding-DNA position 896, T replaced by C.
Molecular consequence: splice donor variant.
Genome position (GRCh38, 1-based): chr10:86,692,573, T>C. VCF-style: chr10-86692573-T-C. GRCh37 (hg19) VCF-style: chr10-88452330-T-C.
Other names: c.896+2T>C (NM_001368064.1, NM_001368063.1, NM_001368065.1 and 1 more transcripts); c.755+2T>C (NM_001368068.1, NM_001368066.1, NM_001080114.2 and 2 more transcripts); c.1100+2T>C (NM_001171610.2, NM_001171611.2).
Identifiers: ClinVar variation 1304105 (VCV001304105.2), dbSNP rs2132418124, ClinGen allele CA377443666.
Genomic context (GRCh38, chr10:86,692,573, plus strand): 5'-ACCAGCTCCTTTCTACCAACAGTGCAAGACCCTGATGAAGAAGCTCTGCGAAGGTCAAGG[T>C]AAGTGCCTGGACTCAGGCTCTGTGGCCTTGCCCTCTAGCCCCGTCCCTCCCCGGGCAGCC-3'